The following is an entry in ClinVar:

ClinVar aggregate classification (germline): Conflicting classifications of pathogenicity. Review status: criteria provided, conflicting classifications (1 of 4 stars). 4 submissions from 4 submitters: Uncertain significance (1); Likely benign (3). Last evaluated 2024-04-25.

Allele frequency attached by ClinVar (database versions not stated): gnomAD exomes below 0.00001 and 0.00001; ESP Exome Variant Server 0.00008.
gnomAD v4.1: 8 of 1,614,088 alleles (0.0005%); highest among the groups gnomAD compares: Admixed American, 0.0033%; no homozygotes.

Submissions (4):

Labcorp Genetics (formerly Invitae), Labcorp
Classification: Likely benign. Last evaluated: 2024-04-25. Review status: criteria provided, single submitter. Criteria: Invitae Variant Classification Sherloc (09022015). Collection method: clinical testing. Allele origin: germline.

CeGaT Center for Human Genetics Tuebingen
Classification: Uncertain significance. Last evaluated: 2024-01-01. Review status: criteria provided, single submitter. Criteria: CeGaT Center For Human Genetics Tuebingen Variant Classification Criteria Version 2. Collection method: clinical testing. Allele origin: germline. Affected: yes. Observed: 3 variant alleles.
Comment: USH2A: PM2:Supporting, BP4

Blueprint Genetics
Classification: Likely benign. Last evaluated: 2022-02-25. Review status: criteria provided, single submitter. Criteria: ACMG Guidelines, 2015. Collection method: clinical testing. Allele origin: germline.

Laboratory for Molecular Medicine, Mass General Brigham Personalized Medicine
Classification: Likely benign. Last evaluated: 2012-05-07. Review status: criteria provided, single submitter. Criteria: LMM Criteria. Collection method: clinical testing. Allele origin: germline. Observed: 2 variant alleles.
Comment: p.Asn960Asn in Exon 14 of USH2A: This variant is not expected to have clinical s ignificance because it does not alter an amino acid residue, is not located with in the splice consensus sequence, and has been identified in 1/7020 European Ame rican chromosomes from a broad population by the NHLBI Exome Sequencing Project (dbSNP rs151177516).

NM_206933.4(USH2A):c.2880T>C (p.Asn960=)

Genes: USH2A (usherin; minus strand), USH2A-AS1 (USH2A antisense RNA 1; plus strand). Cytogenetic location: 1q41.
Variant type: single nucleotide variant.
Coding change: c.2880T>C on transcript NM_206933.4 (MANE Select); coding-DNA position 2880, T replaced by C.
Protein change: p.Asn960=; no amino-acid change (asparagine 960 retained).
Molecular consequence: synonymous variant.
Genome position (GRCh38, 1-based): chr1:216,232,066, A>G on the plus strand (T>C on the coding strand, the complement: USH2A is on the minus strand). VCF-style: chr1-216232066-A-G. GRCh37 (hg19) VCF-style: chr1-216405408-A-G.
Other names: c.2880T>C, p.Asn960= (NM_007123.6).
Identifiers: ClinVar variation 178653 (VCV000178653.56), dbSNP rs151177516, ClinGen allele CA182742.
Genomic context (GRCh38, chr1:216,232,066, plus strand): 5'-TTGCCCAGCAATGGAAGCATCTTGGCAAACACACTGACCAGTCAGGCTATTACAGATGTG[A>G]TTAACTGCACCAGTTGTATGGCATGAGCATGGCAGGCAGCCAGTGGCATTGCCTGGAGAA-3'
Protein context (NP_996816.3, residues 950-970): PCSCHTTGAV[Asn960=]HICNSLTGQC